The following is an entry in ClinVar:

ClinVar aggregate classification (germline): Likely pathogenic (1 of 4 stars; one submission).

Conditions:
TMC1-related disorder. Also called: TMC1-related condition; TMC1-related disorders.

Allele frequency attached by ClinVar (database versions not stated): gnomAD exomes below 0.00001.
gnomAD v4.1: 1 of 1,613,772 alleles (0.000062%); highest among the groups gnomAD compares: Non-Finnish European, 0.000085%; no homozygotes.

Submission:

PreventionGenetics, part of Exact Sciences
Classification: Likely pathogenic for TMC1-related condition. Last evaluated: 2023-03-23. Review status: criteria provided, single submitter. Criteria: ACMG Guidelines, 2015. Collection method: clinical testing. Allele origin: germline.
Comment: The TMC1 c.742-1G>C variant is predicted to disrupt the AG splice acceptor site and interfere with normal splicing. To our knowledge, this variant has not been reported in the literature or in a large population database, indicating this variant is rare. Variants that disrupt the consensus splice acceptor site in TMC1 are expected to be pathogenic. This variant is interpreted as likely pathogenic.

NM_138691.3(TMC1):c.742-1G>C

Gene: TMC1 (transmembrane channel like 1; plus strand). Cytogenetic location: 9q21.13.
Variant type: single nucleotide variant.
Coding change: c.742-1G>C on transcript NM_138691.3 (MANE Select); the canonical splice acceptor site of the intron before coding-DNA position 742, G replaced by C.
Molecular consequence: splice acceptor variant.
Genome position (GRCh38, 1-based): chr9:72,772,412, G>C. VCF-style: chr9-72772412-G-C. GRCh37 (hg19) VCF-style: chr9-75387328-G-C.
Identifiers: ClinVar variation 2630333 (VCV002630333.1), dbSNP rs2489883042, ClinGen allele CA373502594.
Genomic context (GRCh38, chr9:72,772,412, plus strand): 5'-ATCTTTTCCTTTGAGTTGCTCTTCACGACAACTGCTAAGTGGCTTTGTTGTTGGATTTCA[G>C]GGTTTGGCACAATATTCCGTTCTCTTTTATGGCTATTATGACAATAAACGAACAATTGGA-3'